The following is an entry in ClinVar:

NM_001277062.2(MFF):c.634T>C (p.Ser212Pro)

Gene: MFF (mitochondrial fission factor; plus strand). Cytogenetic location: 2q36.3.
Variant type: single nucleotide variant.
Coding change: c.634T>C on transcript NM_001277062.2 (MANE Select); coding-DNA position 634, T replaced by C.
Protein change: p.Ser212Pro; replaces serine 212 with proline.
Molecular consequence: missense variant. On other transcripts: intron variant (4).
Genome position (GRCh38, 1-based): chr2:227,352,548, T>C. VCF-style: chr2-227352548-T-C. GRCh37 (hg19) VCF-style: chr2-228217264-T-C.
Other names: c.787T>C, p.Ser263Pro (NM_001277061.2, NM_020194.5); c.475T>C, p.Ser159Pro (NM_001277064.2); c.517T>C, p.Ser173Pro (NM_001277068.1); c.516-3129T>C (NM_001277063.2); c.441-3129T>C (NM_001277065.2, NM_001277066.2); c.450-3129T>C (NM_001277067.1); short protein forms S173P, S263P, S212P, S159P.
Identifiers: ClinVar variation 2094048 (VCV002094048.4), dbSNP rs2470153136, ClinGen allele CA350854350.
Genomic context (GRCh38, chr2:227,352,548, plus strand): 5'-CCTTCTCCCGCAAAAACCTGCCTTAGACCTGTGTTGCGTGGTGGGTCTGCTGCCGCCACT[T>C]CTAATCCTCATCATGACAACGTCAGGTAAATTTTGAGACTTCGTAATTACCAGGGTAAAT-3'
Protein context (NP_001263991.1, residues 202-222): VLRGGSAAAT[Ser212Pro]NPHHDNVRYG

ClinVar aggregate classification (germline): Uncertain significance (1 of 4 stars; one submission).

Submission:

Labcorp Genetics (formerly Invitae), Labcorp
Classification: Uncertain significance. Last evaluated: 2022-11-16. Review status: criteria provided, single submitter. Criteria: Invitae Variant Classification Sherloc (09022015). Collection method: clinical testing. Allele origin: germline.
Comment: In summary, the available evidence is currently insufficient to determine the role of this variant in disease. Therefore, it has been classified as a Variant of Uncertain Significance. This variant has not been reported in the literature in individuals affected with MFF-related conditions. This variant is not present in population databases (gnomAD no frequency). This sequence change replaces serine, which is neutral and polar, with proline, which is neutral and non-polar, at codon 263 of the MFF protein (p.Ser263Pro). Algorithms developed to predict the effect of missense changes on protein structure and function (SIFT, PolyPhen-2, Align-GVGD) all suggest that this variant is likely to be tolerated.